The following is an entry in ClinVar:

NM_018847.4(KLHL9):c.1849T>C (p.Ser617Pro)

Gene: KLHL9 (kelch like family member 9; minus strand). Cytogenetic location: 9p21.3.
Variant type: single nucleotide variant.
Coding change: c.1849T>C on transcript NM_018847.4 (MANE Select); coding-DNA position 1849, T replaced by C.
Protein change: p.Ser617Pro; replaces serine 617 with proline.
Molecular consequence: missense variant.
Genome position (GRCh38, 1-based): chr9:21,333,011, A>G on the plus strand (T>C on the coding strand, the complement: KLHL9 is on the minus strand). VCF-style: chr9-21333011-A-G. GRCh37 (hg19) VCF-style: chr9-21333010-A-G.
Other names: short protein forms S617P.
Identifiers: ClinVar variation 2369458 (VCV002369458.4), dbSNP rs768395053, ClinGen allele CA5010456.

ClinVar aggregate classification (germline): Uncertain significance. Review status: criteria provided, multiple submitters, no conflicts (2 of 4 stars). 2 submissions from 2 submitters: Uncertain significance (2). Last evaluated 2024-08-23.

Allele frequency attached by ClinVar (database versions not stated): gnomAD exomes below 0.00001; TOPMed below 0.00001; ExAC 0.00001.

Submissions (2):

Labcorp Genetics (formerly Invitae), Labcorp
Classification: Uncertain significance. Last evaluated: 2024-08-23. Review status: criteria provided, single submitter. Criteria: Invitae Variant Classification Sherloc (09022015). Collection method: clinical testing. Allele origin: germline.
Comment: This sequence change replaces serine, which is neutral and polar, with proline, which is neutral and non-polar, at codon 617 of the KLHL9 protein (p.Ser617Pro). This variant is present in population databases (rs768395053, gnomAD 0.003%). This variant has not been reported in the literature in individuals affected with KLHL9-related conditions. ClinVar contains an entry for this variant (Variation ID: 2369458). Experimental studies and prediction algorithms are not available or were not evaluated, and the functional significance of this variant is currently unknown. In summary, the available evidence is currently insufficient to determine the role of this variant in disease. Therefore, it has been classified as a Variant of Uncertain Significance.

Ambry Genetics
Classification: Uncertain significance. Last evaluated: 2021-06-23. Review status: criteria provided, single submitter. Criteria: Ambry Variant Classification Scheme 2023. Collection method: clinical testing. Allele origin: germline.